The following is an entry in ClinVar:

NM_006185.4(NUMA1):c.2484C>T (p.Gly828=)

Genes: NUMA1 (nuclear mitotic apparatus protein 1; minus strand), NUMA1-AS1 (NUMA1 antisense RNA 1; plus strand). Cytogenetic location: 11q13.4.
Variant type: single nucleotide variant.
Coding change: c.2484C>T on transcript NM_006185.4 (MANE Select); coding-DNA position 2484, C replaced by T.
Protein change: p.Gly828=; no amino-acid change (glycine 828 retained).
Molecular consequence: synonymous variant.
Genome position (GRCh38, 1-based): chr11:72,015,019, G>A on the plus strand (C>T on the coding strand, the complement: NUMA1 is on the minus strand). VCF-style: chr11-72015019-G-A. GRCh37 (hg19) VCF-style: chr11-71726065-G-A.
Other names: c.2484C>T, p.Gly828= (NM_001286561.2).
Identifiers: ClinVar variation 3033915 (VCV003033915.2), dbSNP rs36029905, ClinGen allele CA6167448.

ClinVar aggregate classification (germline): Likely benign (0 of 4 stars; one submission).

Conditions:
NUMA1-related disorder. Also called: NUMA1-related condition.

Allele frequency attached by ClinVar (database versions not stated): ExAC 0.00628; gnomAD 0.01199; gnomAD exomes 0.00372; ESP Exome Variant Server 0.01394; 1000 Genomes Project 30x 0.01562; TOPMed 0.01213; 1000 Genomes Project 0.01378.
gnomAD v4.1: 7,289 of 1,614,020 alleles (0.45%); highest among the groups gnomAD compares: African/African-American, 3.5%; 54 homozygotes.

Submission:

PreventionGenetics, part of Exact Sciences
Classification: Likely benign for NUMA1-related condition. Last evaluated: 2019-12-23. Review status: no assertion criteria provided. Collection method: clinical testing. Allele origin: germline.
Comment: This variant is classified as likely benign based on ACMG/AMP sequence variant interpretation guidelines (Richards et al. 2015 PMID: 25741868, with internal and published modifications).